The following is an entry in ClinVar:

NM_019032.6(ADAMTSL4):c.1893G>A (p.Pro631=)

Genes: ADAMTSL4 (ADAMTS like 4; plus strand), ADAMTSL4-AS2 (ADAMTSL4 antisense RNA 2; minus strand). Cytogenetic location: 1q21.2.
Variant type: single nucleotide variant.
Coding change: c.1893G>A on transcript NM_019032.6 (MANE Select); coding-DNA position 1893, G replaced by A.
Protein change: p.Pro631=; no amino-acid change (proline 631 retained).
Molecular consequence: synonymous variant. On other transcripts: intron variant (1).
Genome position (GRCh38, 1-based): chr1:150,557,181, G>A. VCF-style: chr1-150557181-G-A. GRCh37 (hg19) VCF-style: chr1-150529657-G-A.
Other names: c.1962G>A, p.Pro654= (NM_001288608.2); c.1893G>A, p.Pro631= (NM_001378596.1, NM_025008.5); c.1857-81G>A (NM_001288607.2); c.1893G>A (NM_019032.5).
Identifiers: ClinVar variation 292542 (VCV000292542.35), dbSNP rs112045022, ClinGen allele CA1078451.
Genomic context (GRCh38, chr1:150,557,181, plus strand): 5'-GCATCTGATTCGCCTGCTCCCCTGCACAGAGATTCTGAGGGTGGAGCCCCCACTTGCTCC[G>A]GCACCCCGCCCAGCCCGGACCCCAGGCACCCTCCAGCGTCAGGTGCGGATCCCCCAGATG-3'
Protein context (NP_061905.2, residues 621-641): EILRVEPPLA[Pro631=]APRPARTPGT

ClinVar aggregate classification (germline): Conflicting classifications of pathogenicity. Review status: criteria provided, conflicting classifications (1 of 4 stars). 7 submissions from 7 submitters: Uncertain significance (1); Likely benign (3). 3 of the submissions do not count toward it. Last evaluated 2026-01-27.

Conditions:
ADAMTSL4-related disorder. Also called: ADAMTSL4-Related Disorders; ADAMTSL4-related condition.

Allele frequency attached by ClinVar (database versions not stated): 1000 Genomes Project 30x 0.00016; ESP Exome Variant Server 0.00039; gnomAD exomes 0.00086 and 0.00106; TOPMed 0.00094; gnomAD 0.00107 and 0.00112; ExAC 0.00108.
gnomAD v4.1: 1,694 of 1,611,638 alleles (0.11%); highest among the groups gnomAD compares: Non-Finnish European, 0.12%; 1 homozygote.

Submissions (7):

Labcorp Genetics (formerly Invitae), Labcorp
Classification: Likely benign. Last evaluated: 2026-01-27. Review status: criteria provided, single submitter. Criteria: Invitae Variant Classification Sherloc (09022015). Collection method: clinical testing. Allele origin: germline.

GeneDx
Classification: Uncertain significance. Last evaluated: 2025-05-14. Review status: criteria provided, single submitter. Criteria: GeneDx Variant Classification Process June 2021. Collection method: clinical testing. Allele origin: germline. Affected: yes.
Comment: Has not been previously published as pathogenic or benign to our knowledge; In silico analysis suggests this variant may impact gene splicing. In the absence of RNA/functional studies, the actual effect of this sequence change is unknown.

Blueprint Genetics
Classification: Likely benign. Last evaluated: 2024-09-25. Review status: criteria provided, single submitter. Criteria: ACMG Guidelines, 2015. Collection method: clinical testing. Allele origin: germline.

CeGaT Center for Human Genetics Tuebingen
Classification: Likely benign. Last evaluated: 2024-05-01. Review status: criteria provided, single submitter. Criteria: CeGaT Center For Human Genetics Tuebingen Variant Classification Criteria Version 2. Collection method: clinical testing. Allele origin: germline. Affected: yes. Observed: 1 variant allele.
Comment: ADAMTSL4: BP7

PreventionGenetics, part of Exact Sciences
Classification: Likely benign for ADAMTSL4-related condition. Last evaluated: 2020-08-04. Review status: no assertion criteria provided. Collection method: clinical testing. Allele origin: germline. Not counted in ClinVar's aggregate classification.
Comment: This variant is classified as likely benign based on ACMG/AMP sequence variant interpretation guidelines (Richards et al. 2015 PMID: 25741868, with internal and published modifications).

Clinical Genetics DNA and cytogenetics Diagnostics Lab, Erasmus MC, Erasmus Medical Center
Classification: Likely benign. Review status: no assertion criteria provided. Collection method: clinical testing. Allele origin: germline. Affected: yes. Study: VKGL Data-share Consensus. Not counted in ClinVar's aggregate classification.

Genome Diagnostics Laboratory, Amsterdam University Medical Center
Classification: Likely benign. Review status: no assertion criteria provided. Collection method: clinical testing. Allele origin: germline. Affected: yes. Study: VKGL Data-share Consensus. Not counted in ClinVar's aggregate classification.